The following is an entry in ClinVar:

ClinVar aggregate classification (germline): Pathogenic/Likely pathogenic. Review status: criteria provided, multiple submitters, no conflicts (2 of 4 stars). 3 submissions from 3 submitters: Pathogenic (2); Likely pathogenic (1). Last evaluated 2019-07-19.

Conditions:
Arrhythmogenic right ventricular cardiomyopathy (ARVD). Also called: Arrhythmogenic cardiomyopathy; Arrhythmogenic Right Ventricular Cardiomyopathy (ARVC); Cardiomyopathy, ARVC; Arrhythmogenic right ventricular dysplasia. Identifiers: Orphanet 247, MedGen C0349788, MeSH D019571, MONDO:0016587. Disease mechanism: loss of function. Inheritance: Various modes of inheritance.
Arrhythmogenic right ventricular dysplasia 9 (ARVD9). Also called: Arrhythmogenic Right Ventricular Dysplasia/Cardiomyopathy 9; ARRHYTHMOGENIC RIGHT VENTRICULAR DYSPLASIA, FAMILIAL, 9. Identifiers: MedGen C1836906, MONDO:0012180, OMIM 609040.

Allele frequency attached by ClinVar (database versions not stated): gnomAD exomes below 0.00001.
gnomAD v4.1: 1 of 1,614,188 alleles (0.000062%); highest among the groups gnomAD compares: Non-Finnish European, 0.000085%; no homozygotes.

Submissions (3):

Labcorp Genetics (formerly Invitae), Labcorp
Classification: Pathogenic for Arrhythmogenic right ventricular dysplasia 9. Last evaluated: 2019-07-19. Review status: criteria provided, single submitter. Criteria: Invitae Variant Classification Sherloc (09022015). Collection method: clinical testing. Allele origin: germline.
Comment: This sequence change creates a premature translational stop signal (p.Lys258*) in the PKP2 gene. It is expected to result in an absent or disrupted protein product. This variant is not present in population databases (ExAC no frequency). This variant has not been reported in the literature in individuals with PKP2-related conditions. ClinVar contains an entry for this variant (Variation ID: 177984). Loss-of-function variants in PKP2 are known to be pathogenic (PMID: 15489853, 23911551). For these reasons, this variant has been classified as Pathogenic.

GeneDx
Classification: Pathogenic. Last evaluated: 2014-09-05. Review status: criteria provided, single submitter. Criteria: GeneDx Variant Classification (06012015). Collection method: clinical testing. Allele origin: germline. Affected: yes.
Comment: p.Lys258Ter (AAG>TAG): c.772 A>T in exon 3 of the PKP2 gene (NM_004572.3). The K258X mutation in the PKP2 gene has not been reported as a disease-causing mutation or as a benign polymorphism to our knowledge. K258X is predicted to cause loss of normal protein function either by protein truncation or nonsense-mediated mRNA decay. Other nonsense mutations in the PKP2 gene have been reported in association with arrhythmogenic right ventricular cardiomyopathy. Additionally, the K258X mutation was not observed in approximately 6,500 individuals of European and African American ancestry in the NHLBI Exome Sequencing Project, indicating it is not a common benign variant in these populations. In summary, K258X in the PKP2 gene is interpreted as a disease-causing mutation. The variant is found in CARDIOMYOPATHY panel(s).

Laboratory for Molecular Medicine, Mass General Brigham Personalized Medicine
Classification: Likely pathogenic for Arrhythmogenic right ventricular cardiomyopathy. Last evaluated: 2013-01-04. Review status: criteria provided, single submitter. Criteria: LMM Criteria. Collection method: clinical testing. Allele origin: germline. Inheritance: Autosomal dominant inheritance. Observed: 1 variant allele.
Comment: proposed classification - variant undergoing re-assessment, contact laboratory

Literature cited by the submitters: PubMed 15489853 (cited by Labcorp Genetics (formerly Invitae), Labcorp); PubMed 23911551 (cited by Labcorp Genetics (formerly Invitae), Labcorp).

NM_001005242.3(PKP2):c.772A>T (p.Lys258Ter)

Gene: PKP2 (plakophilin 2; minus strand). Cytogenetic location: 12p11.21.
Variant type: single nucleotide variant.
Coding change: c.772A>T on transcript NM_001005242.3 (MANE Select); coding-DNA position 772, A replaced by T.
Protein change: p.Lys258Ter; replaces lysine 258 with a stop codon.
Molecular consequence: nonsense.
Genome position (GRCh38, 1-based): chr12:32,878,108, T>A on the plus strand (A>T on the coding strand, the complement: PKP2 is on the minus strand). VCF-style: chr12-32878108-T-A. GRCh37 (hg19) VCF-style: chr12-33031042-T-A.
Other names: p.K258*:AAG>TAG; c.772A>T, p.Lys258Ter (NM_004572.4); short protein forms K258*.
Identifiers: ClinVar variation 177984 (VCV000177984.13), dbSNP rs727504430, ClinGen allele CA012485.